The following is an entry in ClinVar:

NM_031206.7(LAS1L):c.556T>C (p.Cys186Arg)

Gene: LAS1L (LAS1 like ribosome biogenesis factor; minus strand). Cytogenetic location: Xq12.
Variant type: single nucleotide variant.
Coding change: c.556T>C on transcript NM_031206.7 (MANE Select); coding-DNA position 556, T replaced by C.
Protein change: p.Cys186Arg; replaces cysteine 186 with arginine.
Molecular consequence: missense variant. On other transcripts: 5 prime UTR variant (1), non-coding transcript variant (1).
Genome position (GRCh38, 1-based): chrX:65,529,837, A>G on the plus strand (T>C on the coding strand, the complement: LAS1L is on the minus strand). VCF-style: chrX-65529837-A-G. GRCh37 (hg19) VCF-style: chrX-64749717-A-G.
Other names: c.556T>C, p.Cys186Arg (NM_001170649.2, NM_001375328.1, NM_001375329.1 and 8 more transcripts); c.430T>C, p.Cys144Arg (NM_001170650.2); c.-241T>C (NM_001375332.1); short protein forms C186R, C144R.
Identifiers: ClinVar variation 3631648 (VCV003631648.2).
Genomic context (GRCh38, chrX:65,529,837, plus strand): 5'-TCCCTTCCCTGAACTCCTCCAACTCCCAGGTCTCTCTCAGGCTGTTCTCCAGTTGGCGGC[A>G]CCAATAGGTCTTCTGGAGCCAATCCAGGACAAAGTAGCAGCCTAGAGGGGGGAAGGCAGG-3'
Protein context (NP_112483.1, residues 176-196): VLDWLQKTYW[Cys186Arg]RQLENSLRET

ClinVar aggregate classification (germline): Uncertain significance (1 of 4 stars; one submission).

Conditions:
Wilson-Turner syndrome (WTS). Also called: INTELLECTUAL DEVELOPMENTAL DISORDER, X-LINKED, SYNDROMIC, WILSON-TURNER TYPE; MENTAL RETARDATION, X-LINKED, SYNDROMIC 6. Identifiers: Orphanet 3459, MedGen C1839736, MONDO:0010665, OMIM 309585.

Submission:

Labcorp Genetics (formerly Invitae), Labcorp
Classification: Uncertain significance for Wilson-Turner syndrome. Last evaluated: 2024-07-11. Review status: criteria provided, single submitter. Criteria: Invitae Variant Classification Sherloc (09022015). Collection method: clinical testing. Allele origin: germline.
Comment: This sequence change replaces cysteine, which is neutral and slightly polar, with arginine, which is basic and polar, at codon 186 of the LAS1L protein (p.Cys186Arg). This variant is present in population databases (rs765362982, gnomAD 0.006%). This variant has not been reported in the literature in individuals affected with LAS1L-related conditions. Advanced modeling of protein sequence and biophysical properties (such as structural, functional, and spatial information, amino acid conservation, physicochemical variation, residue mobility, and thermodynamic stability) performed at Invitae indicates that this missense variant is not expected to disrupt LAS1L protein function with a negative predictive value of 80%. In summary, the available evidence is currently insufficient to determine the role of this variant in disease. Therefore, it has been classified as a Variant of Uncertain Significance.